The following is an entry in ClinVar:

NM_001267550.2(TTN):c.82640_82671del (p.Glu27547fs)

Genes: TTN-AS1 (TTN antisense RNA 1; plus strand), TTN (titin; minus strand). Cytogenetic location: 2q31.2.
Variant type: Deletion.
Coding change: c.82640_82671del on transcript NM_001267550.2 (MANE Select); coding-DNA positions 82640 to 82671, 32 bases deleted.
Protein change: p.Glu27547fs; shifts the reading frame from glutamic acid 27547.
Molecular consequence: frameshift variant.
Genome position (GRCh38, 1-based): chr2:178,563,461-178,563,492, 32 bases deleted; deleting any 32 consecutive bases within chr2:178,563,461-178,563,493 gives the same sequence; the c. name uses the placement nearest the transcript's 3' end. GRCh37 (hg19): chr2:179,428,189-179,428,220.
Other names: c.77717_77748del, p.Glu25906fs (NM_001256850.1); c.55445_55476del, p.Glu18482fs (NM_003319.4); c.74936_74967del, p.Glu24979fs (NM_133378.4); c.55820_55851del, p.Glu18607fs (NM_133432.3); c.56021_56052del, p.Glu18674fs (NM_133437.4); short protein forms E18482fs, E18607fs, E18674fs, E24979fs, E25906fs, E27547fs.
Identifiers: ClinVar variation 3362809 (VCV003362809.1).

ClinVar aggregate classification (germline): Likely pathogenic (1 of 4 stars; one submission).

Conditions:
Dilated cardiomyopathy 1G (CMD1G). Identifiers: Orphanet 154, MedGen C1858763, MONDO:0011400, OMIM 604145.

Submission:

North West Genomic Laboratory Hub, Manchester University NHS Foundation Trust
Classification: Likely pathogenic for Dilated cardiomyopathy 1G. Last evaluated: 2024-03-20. Review status: criteria provided, single submitter. Criteria: ACGS Best Practice Guidelines for Variant Classification in Rare Disease 2020. Collection method: clinical testing. Allele origin: germline. Affected: yes.
Comment: PM2_Mod PS4 PVS1_Str